The following is an entry in ClinVar:

ClinVar aggregate classification (germline): Uncertain significance (1 of 4 stars; one submission).

Conditions:
Peroxisome biogenesis disorder, complementation group 7 (CG7). Also called: Peroxisome biogenesis disorder, complementation group B. Identifiers: MedGen C1864399.

Submission:

Labcorp Genetics (formerly Invitae), Labcorp
Classification: Uncertain significance for Peroxisome biogenesis disorder, complementation group 7. Last evaluated: 2024-05-02. Review status: criteria provided, single submitter. Criteria: Invitae Variant Classification Sherloc (09022015). Collection method: clinical testing. Allele origin: germline.
Comment: This sequence change replaces glutamic acid, which is acidic and polar, with lysine, which is basic and polar, at codon 72 of the PEX10 protein (p.Glu72Lys). This variant is not present in population databases (gnomAD no frequency). This variant has not been reported in the literature in individuals affected with PEX10-related conditions. An algorithm developed to predict the effect of missense changes on protein structure and function (PolyPhen-2) suggests that this variant is likely to be disruptive. In summary, the available evidence is currently insufficient to determine the role of this variant in disease. Therefore, it has been classified as a Variant of Uncertain Significance.

NM_002617.4(PEX10):c.214G>A (p.Glu72Lys)

Gene: PEX10 (peroxisomal biogenesis factor 10; minus strand). Cytogenetic location: 1p36.32.
Variant type: single nucleotide variant.
Coding change: c.214G>A on transcript NM_002617.4 (MANE Select); coding-DNA position 214, G replaced by A.
Protein change: p.Glu72Lys; replaces glutamic acid 72 with lysine.
Molecular consequence: missense variant. On other transcripts: non-coding transcript variant (1), 5 prime UTR variant (2).
Genome position (GRCh38, 1-based): chr1:2,408,838, C>T on the plus strand (G>A on the coding strand, the complement: PEX10 is on the minus strand). VCF-style: chr1-2408838-C-T. GRCh37 (hg19) VCF-style: chr1-2340277-C-T.
Other names: c.214G>A, p.Glu72Lys (NM_153818.2, NM_001374425.1); c.-219G>A (NM_001374426.1, NM_001374427.1); short protein forms E72K.
Identifiers: ClinVar variation 3691904 (VCV003691904.2).
Genomic context (GRCh38, chr1:2,408,838, plus strand): 5'-GGCGCAGCGAGGAGGGCACATGTATCCGCGATGGGTCCACCTGGATGATGCTGACGTACT[C>T]CTCCCCCAGGGTCTGGTAGCCTGCGAGGAAGAGGATGGGTATGTGGACCCTGAGACTGCT-3'
Protein context (NP_002608.1, residues 62-82): TLAGYQTLGE[Glu72Lys]YVSIIQVDPS